The following is an entry in ClinVar:

NM_000452.3(SLC10A2):c.17G>A (p.Ser6Asn)

Gene: SLC10A2 (solute carrier family 10 member 2; minus strand). Cytogenetic location: 13q33.1.
Variant type: single nucleotide variant.
Coding change: c.17G>A on transcript NM_000452.3 (MANE Select); coding-DNA position 17, G replaced by A.
Protein change: p.Ser6Asn; replaces serine 6 with asparagine.
Molecular consequence: missense variant.
Genome position (GRCh38, 1-based): chr13:103,066,233, C>T on the plus strand (G>A on the coding strand, the complement: SLC10A2 is on the minus strand). VCF-style: chr13-103066233-C-T. GRCh37 (hg19) VCF-style: chr13-103718583-C-T.
Other names: short protein forms S6N.
Identifiers: ClinVar variation 2068608 (VCV002068608.4), dbSNP rs200992938, ClinGen allele CA255216887.

ClinVar aggregate classification (germline): Uncertain significance (1 of 4 stars; one submission).

Allele frequency attached by ClinVar (database versions not stated): gnomAD exomes 0.00001.
gnomAD v4.1: 18 of 1,605,704 alleles (0.0011%); highest among the groups gnomAD compares: Non-Finnish European, 0.0014%; no homozygotes.

Submission:

Labcorp Genetics (formerly Invitae), Labcorp
Classification: Uncertain significance. Last evaluated: 2022-10-01. Review status: criteria provided, single submitter. Criteria: Invitae Variant Classification Sherloc (09022015). Collection method: clinical testing. Allele origin: germline.
Comment: In summary, the available evidence is currently insufficient to determine the role of this variant in disease. Therefore, it has been classified as a Variant of Uncertain Significance. Algorithms developed to predict the effect of missense changes on protein structure and function output the following: SIFT: "Tolerated"; PolyPhen-2: "Benign"; Align-GVGD: "Class C0". The asparagine amino acid residue is found in multiple mammalian species, which suggests that this missense change does not adversely affect protein function. This variant has not been reported in the literature in individuals affected with SLC10A2-related conditions. This variant is not present in population databases (gnomAD no frequency). This sequence change replaces serine, which is neutral and polar, with asparagine, which is neutral and polar, at codon 6 of the SLC10A2 protein (p.Ser6Asn).